The following is an entry in ClinVar:

ClinVar aggregate classification (germline): Likely benign. Review status: criteria provided, multiple submitters, no conflicts (2 of 4 stars). 6 submissions from 6 submitters: Likely benign (6). Last evaluated 2025-11-23.

Conditions:
Cardiomyopathy (CMYO). Also called: Cardiomyopathies. Identifiers: Orphanet 167848, MedGen C0878544, MONDO:0004994, HP:0001638. Inheritance: Various modes of inheritance.
Cardiovascular phenotype. Identifiers: MedGen CN230736.
Charcot-Marie-Tooth disease type 2. Also called: Charcot-Marie-Tooth type 2. Identifiers: Orphanet 64746, MedGen C0270914, MONDO:0018993.

Allele frequency attached by ClinVar (database versions not stated): gnomAD 0.00001 and 0.00002; gnomAD exomes 0.00001 and 0.00003; ExAC 0.00002; TOPMed 0.00003.
gnomAD v4.1: 17 of 1,580,210 alleles (0.0011%); highest among the groups gnomAD compares: African/African-American, 0.0013%; no homozygotes.

Submissions (6):

Labcorp Genetics (formerly Invitae), Labcorp
Classification: Likely benign for Charcot-Marie-Tooth disease type 2. Last evaluated: 2025-11-23. Review status: criteria provided, single submitter. Criteria: Invitae Variant Classification Sherloc (09022015). Collection method: clinical testing. Allele origin: germline.

CeGaT Center for Human Genetics Tuebingen
Classification: Likely benign. Last evaluated: 2024-05-01. Review status: criteria provided, single submitter. Criteria: CeGaT Center For Human Genetics Tuebingen Variant Classification Criteria Version 2. Collection method: clinical testing. Allele origin: germline. Affected: yes. Observed: 1 variant allele.
Comment: LMNA: BP4, BP7

ARUP Laboratories, Molecular Genetics and Genomics, ARUP Laboratories
Classification: Likely benign. Last evaluated: 2024-03-13. Review status: criteria provided, single submitter. Criteria: ARUP Molecular Germline Variant Investigation Process 2024. Collection method: clinical testing. Allele origin: germline.

Color Diagnostics, LLC DBA Color Health
Classification: Likely benign for Cardiomyopathy. Last evaluated: 2018-10-22. Review status: criteria provided, single submitter. Criteria: ACMG Guidelines, 2015. Collection method: clinical testing. Allele origin: germline.

Ambry Genetics
Classification: Likely benign for Cardiovascular phenotype. Last evaluated: 2018-06-20. Review status: criteria provided, single submitter. Criteria: Ambry Variant Classification Scheme 2023. Collection method: clinical testing. Allele origin: germline.

GeneDx
Classification: Likely benign. Last evaluated: 2016-02-08. Review status: criteria provided, single submitter. Criteria: GeneDx Variant Classification (06012015). Collection method: clinical testing. Allele origin: germline. Affected: yes.
Comment: This variant is considered likely benign or benign based on one or more of the following criteria: it is a conservative change, it occurs at a poorly conserved position in the protein, it is predicted to be benign by multiple in silico algorithms, and/or has population frequency not consistent with disease.

NM_170707.4(LMNA):c.1605G>A (p.Gly535=)

Gene: LMNA (lamin A/C; plus strand). Cytogenetic location: 1q22.
Variant type: single nucleotide variant.
Coding change: c.1605G>A on transcript NM_170707.4 (MANE Select); coding-DNA position 1605, G replaced by A.
Protein change: p.Gly535=; no amino-acid change (glycine 535 retained).
Molecular consequence: synonymous variant.
Genome position (GRCh38, 1-based): chr1:156,137,229, G>A. VCF-style: chr1-156137229-G-A. GRCh37 (hg19) VCF-style: chr1-156107020-G-A.
Other names: c.1269G>A, p.Gly423= (NM_001257374.3); c.1362G>A, p.Gly454= (NM_001282624.2); c.1605G>A, p.Gly535= (NM_001282625.2, NM_001282626.2, NM_005572.4 and 1 more transcripts).
Identifiers: ClinVar variation 383349 (VCV000383349.34), dbSNP rs769398087, ClinGen allele CA050741.